The following is an entry in ClinVar:

NM_000789.4(ACE):c.970C>T (p.Arg324Trp)

Gene: ACE (angiotensin I converting enzyme; plus strand). Cytogenetic location: 17q23.3.
Variant type: single nucleotide variant.
Coding change: c.970C>T on transcript NM_000789.4 (MANE Select); coding-DNA position 970, C replaced by T.
Protein change: p.Arg324Trp; replaces arginine 324 with tryptophan.
Molecular consequence: missense variant.
Genome position (GRCh38, 1-based): chr17:63,481,590, C>T. VCF-style: chr17-63481590-C-T. GRCh37 (hg19) VCF-style: chr17-61558951-C-T.
Other names: short protein forms R324W.
Identifiers: ClinVar variation 324372 (VCV000324372.17), dbSNP rs35141294, ClinGen allele CA8699348.

ClinVar aggregate classification (germline): Benign/Likely benign. Review status: criteria provided, multiple submitters, no conflicts (2 of 4 stars). 4 submissions from 4 submitters: Benign (3); Likely benign (1). Last evaluated 2025-12-17.

Conditions:
Renal tubular dysgenesis. Also called: Renotubular dysgenesis. Identifiers: Orphanet 3033, MedGen C0266313, MONDO:0017609, HP:0008660.

Allele frequency attached by ClinVar (database versions not stated): gnomAD exomes 0.00090 and 0.00202; ExAC 0.00247; gnomAD 0.00734 and 0.00781; 1000 Genomes Project 0.00759; 1000 Genomes Project 30x 0.00812; TOPMed 0.00851; ESP Exome Variant Server 0.00884.
gnomAD v4.1: 2,513 of 1,613,962 alleles (0.16%); highest among the groups gnomAD compares: African/African-American, 2.5%; 27 homozygotes.

Submissions (4):

Labcorp Genetics (formerly Invitae), Labcorp
Classification: Benign. Last evaluated: 2025-12-17. Review status: criteria provided, single submitter. Criteria: Invitae Variant Classification Sherloc (09022015). Collection method: clinical testing. Allele origin: germline.

Genomic Medicine Center of Excellence, King Faisal Specialist Hospital and Research Centre
Classification: Likely benign. Last evaluated: 2025-08-18. Review status: criteria provided, single submitter. Criteria: ACMG Guidelines, 2015. Collection method: clinical testing. Allele origin: germline.

Illumina Laboratory Services, Illumina
Classification: Benign for Renal tubular dysgenesis of genetic origin. Last evaluated: 2018-01-13. Review status: criteria provided, single submitter. Criteria: ICSL Variant Classification Criteria 13 December 2019. Collection method: clinical testing. Allele origin: germline.
Comment: This variant was observed in the ICSL laboratory as part of a predisposition screen in an ostensibly healthy population. It had not been previously curated by ICSL or reported in the Human Gene Mutation Database (HGMD: prior to June 1st, 2018), and was therefore a candidate for classification through an automated scoring system. Utilizing variant allele frequency, disease prevalence and penetrance estimates, and inheritance mode, an automated score was calculated to assess if this variant is too frequent to cause the disease. Based on the score and internal cut-off values, a variant classified as benign is not then subjected to further curation. The score for this variant resulted in a classification of benign for this disease.

Breakthrough Genomics
Classification: Benign. Review status: criteria provided, single submitter. Criteria: ACMG Guidelines, 2015. Collection method: not provided. Allele origin: germline. Inheritance: Autosomal recessive inheritance. Affected: yes.